The following is an entry in ClinVar:

ClinVar aggregate classification (germline): Uncertain significance. Review status: criteria provided, multiple submitters, no conflicts (2 of 4 stars). 2 submissions from 2 submitters: Uncertain significance (2). Last evaluated 2022-11-01.

Conditions:
Hereditary spastic paraplegia 11. Also called: SPASTIC PARAPLEGIA, AUTOSOMAL RECESSIVE, COMPLICATED, WITH THIN CORPUS CALLOSUM; SPASTIC PARAPLEGIA, AUTOSOMAL RECESSIVE, WITH MENTAL IMPAIRMENT AND THIN CORPUS CALLOSUM; Spastic paraplegia, mental retardation and thin corpus callosum; Nakamura Osame syndrome; Autosomal recessive hereditary spastic paraplegia, mental impairment, and thin corpus callosum; Spastic Paraplegia 11. Identifiers: Orphanet 2822, MedGen C1858479, MONDO:0011445, OMIM 604360.

Allele frequency attached by ClinVar (database versions not stated): TOPMed 0.00002; gnomAD 0.00006; ESP Exome Variant Server 0.00008.
gnomAD v4.1: 51 of 1,613,752 alleles (0.0032%); highest among the groups gnomAD compares: South Asian, 0.016%; no homozygotes.

Submissions (2):

Labcorp Genetics (formerly Invitae), Labcorp
Classification: Uncertain significance for Hereditary spastic paraplegia 11. Last evaluated: 2022-11-01. Review status: criteria provided, single submitter. Criteria: Invitae Variant Classification Sherloc (09022015). Collection method: clinical testing. Allele origin: germline.
Comment: This sequence change replaces arginine, which is basic and polar, with histidine, which is basic and polar, at codon 890 of the SPG11 protein (p.Arg890His). This variant is present in population databases (rs376143651, gnomAD 0.02%). This variant has not been reported in the literature in individuals affected with SPG11-related conditions. ClinVar contains an entry for this variant (Variation ID: 658184). Advanced modeling of protein sequence and biophysical properties (such as structural, functional, and spatial information, amino acid conservation, physicochemical variation, residue mobility, and thermodynamic stability) performed at Invitae indicates that this missense variant is not expected to disrupt SPG11 protein function. In summary, the available evidence is currently insufficient to determine the role of this variant in disease. Therefore, it has been classified as a Variant of Uncertain Significance.

GeneDx
Classification: Uncertain significance. Last evaluated: 2022-06-17. Review status: criteria provided, single submitter. Criteria: GeneDx Variant Classification Process June 2021. Collection method: clinical testing. Allele origin: germline. Affected: yes.
Comment: In silico analysis supports that this missense variant does not alter protein structure/function; Has not been previously published as pathogenic or benign to our knowledge

NM_025137.4(SPG11):c.2669G>A (p.Arg890His)

Gene: SPG11 (SPG11 vesicle trafficking associated, spatacsin; minus strand). Cytogenetic location: 15q21.1.
Variant type: single nucleotide variant.
Coding change: c.2669G>A on transcript NM_025137.4 (MANE Select); coding-DNA position 2669, G replaced by A.
Protein change: p.Arg890His; replaces arginine 890 with histidine.
Molecular consequence: missense variant.
Genome position (GRCh38, 1-based): chr15:44,620,355, C>T on the plus strand (G>A on the coding strand, the complement: SPG11 is on the minus strand). VCF-style: chr15-44620355-C-T. GRCh37 (hg19) VCF-style: chr15-44912553-C-T.
Other names: c.2669G>A, p.Arg890His (NM_001160227.2); short protein forms R890H.
Identifiers: ClinVar variation 658184 (VCV000658184.7), dbSNP rs376143651, ClinGen allele CA7535163.